The following is an entry in ClinVar:

ClinVar aggregate classification (germline): Uncertain significance (1 of 4 stars; one submission).

Submission:

Dasa
Classification: Uncertain significance. Last evaluated: 2025-02-14. Review status: criteria provided, single submitter. Criteria: DASA Assertion Criteria. Collection method: clinical testing. Allele origin: germline.
Comment: NM_000268.4(NF2):c.194A>T (p.Gln65Leu) is a missense variant that results in the substitution of glutamine with leucine. This variant is absent from population databases. The currently available literature and clinical evidence are not sufficient to establish a definitive association between this variant and the reported condition. Therefore, this variant is classified as a variant of uncertain significance.

NM_000268.4(NF2):c.194A>T (p.Gln65Leu)

Gene: NF2 (NF2, moesin-ezrin-radixin like (MERLIN) tumor suppressor; plus strand). Cytogenetic location: 22q12.2.
Variant type: single nucleotide variant.
Coding change: c.194A>T on transcript NM_000268.4 (MANE Select); coding-DNA position 194, A replaced by T.
Protein change: p.Gln65Leu; replaces glutamine 65 with leucine.
Molecular consequence: missense variant. On other transcripts: 5 prime UTR variant (2), intron variant (6).
Genome position (GRCh38, 1-based): chr22:29,636,830, A>T. VCF-style: chr22-29636830-A-T. GRCh37 (hg19) VCF-style: chr22-30032819-A-T.
Other names: c.194A>T, p.Gln65Leu (NM_001407066.1, NM_016418.5, NM_181825.3 and 9 more transcripts); c.-63A>T (NM_001407067.1); c.115-2260A>T (NM_181828.3, NM_001407055.1); c.115-5372A>T (NM_001407063.1, NM_181830.3, NM_001407064.1 and 1 more transcripts); c.80A>T, p.Gln27Leu (NM_001407053.1, NM_001407056.1); c.-447A>T (NM_001407065.1); short protein forms Q27L, Q65L.
Identifiers: ClinVar variation 4883828 (VCV004883828.2).